The following is an entry in ClinVar:

ClinVar aggregate classification (germline): Likely pathogenic (1 of 4 stars; one submission).

Conditions:
Cohen syndrome (COH1). Also called: PEPPER SYNDROME; Cutis verticis gyrata, retinitis pigmentosa, and sensorineural deafness. Identifiers: Orphanet 193, MedGen C0265223, MONDO:0008999, OMIM 216550.

Allele frequency attached by ClinVar (database versions not stated): gnomAD exomes below 0.00001.
gnomAD v4.1: 1 of 1,613,914 alleles (0.000062%); highest among the groups gnomAD compares: Non-Finnish European, 0.000085%; no homozygotes.

Submission:

Labcorp Genetics (formerly Invitae), Labcorp
Classification: Likely pathogenic for Cohen syndrome. Last evaluated: 2022-06-13. Review status: criteria provided, single submitter. Criteria: Invitae Variant Classification Sherloc (09022015). Collection method: clinical testing. Allele origin: germline.
Comment: This sequence change affects a donor splice site in intron 21 of the VPS13B gene. It is expected to disrupt RNA splicing. Variants that disrupt the donor or acceptor splice site typically lead to a loss of protein function (PMID: 16199547), and loss-of-function variants in VPS13B are known to be pathogenic (PMID: 15141358, 16648375, 20461111). This variant is not present in population databases (gnomAD no frequency). This variant has not been reported in the literature in individuals affected with VPS13B-related conditions. Algorithms developed to predict the effect of sequence changes on RNA splicing suggest that this variant may disrupt the consensus splice site. In summary, the currently available evidence indicates that the variant is pathogenic, but additional data are needed to prove that conclusively. Therefore, this variant has been classified as Likely Pathogenic.

Literature cited by the submitters: PubMed 16199547; PubMed 15141358; PubMed 16648375; PubMed 20461111.

NM_152564.5(VPS13B):c.3082+1G>A

Gene: VPS13B (vacuolar protein sorting 13 homolog B; plus strand). Cytogenetic location: 8q22.2.
Variant type: single nucleotide variant.
Coding change: c.3082+1G>A on transcript NM_152564.5 (MANE Select); the canonical splice donor site of the intron after coding-DNA position 3082, G replaced by A.
Molecular consequence: splice donor variant.
Genome position (GRCh38, 1-based): chr8:99,391,705, G>A. VCF-style: chr8-99391705-G-A. GRCh37 (hg19) VCF-style: chr8-100403933-G-A.
Other names: c.3082+1G>A (NM_017890.5).
Identifiers: ClinVar variation 2157064 (VCV002157064.4), dbSNP rs2489876069, ClinGen allele CA371865884.